The following is an entry in ClinVar:

ClinVar aggregate classification (germline): Conflicting classifications of pathogenicity. Review status: criteria provided, conflicting classifications (1 of 4 stars). 2 submissions from 2 submitters: Uncertain significance (1); Likely benign (1). Last evaluated 2025-07-01.

Conditions:
Ullrich congenital muscular dystrophy 2 (UCMD2). Identifiers: Orphanet 75840, MedGen C4225314, MONDO:0014654, OMIM 616470.
Bethlem myopathy 2 (BTHLM2). Identifiers: Orphanet 536516, Orphanet 610, MedGen C4225313, MONDO:0034022, OMIM 616471.

Allele frequency attached by ClinVar (database versions not stated): TOPMed 0.00001; ExAC 0.00002; gnomAD exomes 0.00002.
gnomAD v4.1: 13 of 1,612,440 alleles (0.00081%); highest among the groups gnomAD compares: Admixed American, 0.0033%; no homozygotes.

Submissions (2):

CeGaT Center for Human Genetics Tuebingen
Classification: Uncertain significance. Last evaluated: 2025-07-01. Review status: criteria provided, single submitter. Criteria: CeGaT Center For Human Genetics Tuebingen Variant Classification Criteria Version 2. Collection method: clinical testing. Allele origin: germline. Affected: yes. Observed: 1 variant allele.
Comment: COL12A1: PM2, BP4

Labcorp Genetics (formerly Invitae), Labcorp
Classification: Likely benign for Bethlem myopathy 2; Ullrich congenital muscular dystrophy 2. Last evaluated: 2025-06-22. Review status: criteria provided, single submitter. Criteria: Invitae Variant Classification Sherloc (09022015). Collection method: clinical testing. Allele origin: germline.

NM_004370.6(COL12A1):c.4241G>A (p.Arg1414Gln)

Gene: COL12A1 (collagen type XII alpha 1 chain; minus strand). Cytogenetic location: 6q13.
Variant type: single nucleotide variant.
Coding change: c.4241G>A on transcript NM_004370.6 (MANE Select); coding-DNA position 4241, G replaced by A.
Protein change: p.Arg1414Gln; replaces arginine 1414 with glutamine.
Molecular consequence: missense variant.
Genome position (GRCh38, 1-based): chr6:75,148,404, C>T on the plus strand (G>A on the coding strand, the complement: COL12A1 is on the minus strand). VCF-style: chr6-75148404-C-T. GRCh37 (hg19) VCF-style: chr6-75858120-C-T.
Other names: c.749G>A, p.Arg250Gln (NM_080645.3); short protein forms R250Q, R1414Q.
Identifiers: ClinVar variation 936435 (VCV000936435.15), dbSNP rs769711983, ClinGen allele CA3893504.
Genomic context (GRCh38, chr6:75,148,404, plus strand): 5'-GTGTTCCTACTCACTTCTTGACGTTTCCCTCCAGAAACTGGATAGTATTCCACCTTATAT[C>T]GATCCACACTGTCAGAAGGTGGTGTCCAGCTCACTCTAAAAGAACGATGGGTTCGCTCAG-3'
Protein context (NP_004361.3, residues 1404-1424): SWTPPSDSVD[Arg1414Gln]YKVEYYPVSG